The following is an entry in ClinVar:

NM_002137.4(HNRNPA2B1):c.658+7_658+8del

Gene: HNRNPA2B1 (heterogeneous nuclear ribonucleoprotein A2/B1; minus strand). Cytogenetic location: 7p15.2.
Variant type: Deletion.
Coding change: c.658+7_658+8del on transcript NM_002137.4 (MANE Select); bases 7 to 8 of the intron after coding-DNA position 658, 2 bases deleted (TT; older notation c.658+7_658+8delTT).
Molecular consequence: intron variant.
Genome position (GRCh38, 1-based): chr7:26,196,393-26,196,394, AA deleted on the plus strand (TT on the coding strand, the reverse complement: HNRNPA2B1 is on the minus strand); deleting any 2 consecutive bases within chr7:26,196,393-26,196,395 gives the same sequence; the c. name uses the placement nearest the transcript's 3' end. VCF-style (leftmost placement, unchanged base first): chr7-26196392-GAA-G. GRCh37 (hg19) VCF-style: chr7-26236012-GAA-G.
Other names: c.658+7_658+8del (NM_001438578.1, NM_001438576.1, NM_001438575.1 and 4 more transcripts); c.694+7_694+8del (NM_001438574.1, NM_001438573.1, NM_001438568.1 and 3 more transcripts).
Identifiers: ClinVar variation 3045567 (VCV003045567.2), dbSNP rs1783642018, ClinGen allele CA1695802603.

ClinVar aggregate classification (germline): Likely benign (0 of 4 stars; one submission).

Conditions:
HNRNPA2B1-related disorder. Also called: HNRNPA2B1-related condition.

Submission:

PreventionGenetics, part of Exact Sciences
Classification: Likely benign for HNRNPA2B1-related condition. Last evaluated: 2023-09-05. Review status: no assertion criteria provided. Collection method: clinical testing. Allele origin: germline.
Comment: This variant is classified as likely benign based on ACMG/AMP sequence variant interpretation guidelines (Richards et al. 2015 PMID: 25741868, with internal and published modifications).